The following is an entry in ClinVar:

NM_001360.3(DHCR7):c.151C>T (p.Pro51Ser)

Gene: DHCR7 (7-dehydrocholesterol reductase; minus strand). Cytogenetic location: 11q13.4.
Variant type: single nucleotide variant.
Coding change: c.151C>T on transcript NM_001360.3 (MANE Select); coding-DNA position 151, C replaced by T.
Protein change: p.Pro51Ser; replaces proline 51 with serine.
Molecular consequence: missense variant.
Genome position (GRCh38, 1-based): chr11:71,444,163, G>A on the plus strand (C>T on the coding strand, the complement: DHCR7 is on the minus strand). VCF-style: chr11-71444163-G-A. GRCh37 (hg19) VCF-style: chr11-71155209-G-A.
Other names: c.151C>T, p.Pro51Ser (NM_001163817.2); short protein forms P51S.
Identifiers: ClinVar variation 93712 (VCV000093712.30), dbSNP rs104886035, ClinGen allele CA221659.
Genomic context (GRCh38, chr11:71,444,163, plus strand): 5'-GGCCAGTCAGGGCGCAGCTGTACTGGTCACAAGCCATGATGAAGTAGTAGACGATGAAGG[G>A]GGCGAACAGCAGTAGGAAGATGACGCTCGCCAGTGAAAACCAGTCCACCTCCCTGCGAGG-3'
Protein context (NP_001351.2, residues 41-61): ASVIFLLLFA[Pro51Ser]FIVYYFIMAC

ClinVar aggregate classification (germline): Pathogenic. Review status: criteria provided, multiple submitters, no conflicts (2 of 4 stars). 6 submissions from 6 submitters: Pathogenic (5). 1 of the submissions does not count toward it. Last evaluated 2025-12-01.

Conditions:
Smith-Lemli-Opitz syndrome (SLOS). Also called: POLYDACTYLY, SEX REVERSAL, RENAL HYPOPLASIA, AND UNILOBAR LUNG; LETHAL ACRODYSGENITAL SYNDROME; RSH SYNDROME; RUTLEDGE LETHAL MULTIPLE CONGENITAL ANOMALY SYNDROME; 7-Dehydrocholesterol reductase deficiency. Identifiers: Orphanet 818, MedGen C0175694, MONDO:0010035, OMIM 270400.

Allele frequency attached by ClinVar (database versions not stated): gnomAD 0.00001; TOPMed 0.00001; gnomAD exomes below 0.00001.
gnomAD v4.1: 2 of 1,609,368 alleles (0.00012%); highest among the groups gnomAD compares: Non-Finnish European, 0.00017%; no homozygotes.

Submissions (6):

Labcorp Genetics (formerly Invitae), Labcorp
Classification: Pathogenic for Smith-Lemli-Opitz syndrome. Last evaluated: 2025-12-01. Review status: criteria provided, single submitter. Criteria: Invitae Variant Classification Sherloc (09022015). Collection method: clinical testing. Allele origin: germline.
Comment: This sequence change replaces proline, which is neutral and non-polar, with serine, which is neutral and polar, at codon 51 of the DHCR7 protein (p.Pro51Ser). This variant is not present in population databases (gnomAD no frequency). This missense change has been observed in individual(s) with Smith- Lemli-Opitz syndrome (PMID: 9653161, 16181459). In at least one individual the data is consistent with being in trans (on the opposite chromosome) from a pathogenic variant. ClinVar contains an entry for this variant (Variation ID: 93712). Invitae Evidence Modeling of protein sequence and biophysical properties (such as structural, functional, and spatial information, amino acid conservation, physicochemical variation, residue mobility, and thermodynamic stability) indicates that this missense variant is expected to disrupt DHCR7 protein function with a positive predictive value of 95%. For these reasons, this variant has been classified as Pathogenic.

Natera, Inc.
Classification: Pathogenic for Smith-Lemli-Opitz syndrome. Last evaluated: 2025-06-30. Review status: criteria provided, single submitter. Criteria: Natera Variant Classification Schema (03/2026). Collection method: clinical testing. Allele origin: germline.
Comment: The c.151C>T variant in DHCR7 is a missense variant predicted to cause substitution of proline to serine at amino acid 51. This variant is rare in the general population with a frequency below the threshold expected for the associated phenotype(s). This variant has been observed in one or more individuals affected with the associated recessive disease, as either homozygous or compound heterozygous with a second variant (PMID: 21724437, 18249054, 15896653, 9653161). Additionally, this variant has been observed to segregate in affected family members (PMID: 18249054). Computational prediction algorithms indicate this variant is likely to affect gene or protein function. Given the available evidence, this variant is classified as Pathogenic.

Women's Health and Genetics/Laboratory Corporation of America, LabCorp
Classification: Pathogenic for Smith-Lemli-Opitz syndrome. Last evaluated: 2022-10-27. Review status: criteria provided, single submitter. Criteria: LabCorp Variant Classification Summary - May 2015. Collection method: clinical testing. Allele origin: germline.
Comment: Variant summary: DHCR7 c.151C>T (p.Pro51Ser) results in a non-conservative amino acid change in the encoded protein sequence. Five of five in-silico tools predict a damaging effect of the variant on protein function. The variant was absent in 241350 control chromosomes (gnomAD). c.151C>T has been reported in the literature in multiple individuals affected with Smith-Lemli-Opitz Syndrome (examples: Fitzky_1998, Ciara_2004 and Bianconi_2011). These data indicate that the variant is very likely to be associated with disease. Four clinical diagnostic laboratories have submitted clinical-significance assessments for this variant to ClinVar after 2014 and all classified the variant as pathogenic. Based on the evidence outlined above, the variant was classified as pathogenic.

GeneDx
Classification: Pathogenic. Last evaluated: 2020-10-26. Review status: criteria provided, single submitter. Criteria: GeneDx Variant Classification Process June 2021. Collection method: clinical testing. Allele origin: germline. Affected: yes.
Comment: Not observed in large population cohorts (Lek et al., 2016); The majority of missense variants in this gene are considered pathogenic (Stenson et al., 2014); In silico analysis, which includes protein predictors and evolutionary conservation, supports a deleterious effect; This variant is associated with the following publications: (PMID: 11175299, 21724437, 9653161, 12914579, 17497248, 24500076, 10677299, 23042628, 15521979, 21990131, 18249054, 10814720, 16983147)

Eurofins Ntd Llc (ga)
Classification: Pathogenic. Last evaluated: 2013-03-18. Review status: criteria provided, single submitter. Criteria: EGL Classification Definitions. Collection method: clinical testing. Allele origin: germline. Observed: 2 variant alleles, 2 heterozygotes.

Counsyl
Classification: Pathogenic for Smith-Lemli-Opitz syndrome. Last evaluated: 2017-07-13. Review status: no assertion criteria provided. Collection method: clinical testing. Allele origin: unknown. Not counted in ClinVar's aggregate classification.

Literature cited by the submitters: PubMed 9653161 (cited by 4 submitters); PubMed 16181459 (cited by Labcorp Genetics (formerly Invitae), Labcorp); PubMed 21724437 (cited by Natera, Inc.); PubMed 18249054 (cited by Natera, Inc.); PubMed 15896653 (cited by Natera, Inc.); PubMed 15521979 (cited by Women's Health and Genetics/Laboratory Corporation of America, LabCorp and Counsyl); PubMed 21990131 (cited by Women's Health and Genetics/Laboratory Corporation of America, LabCorp and Counsyl); PubMed 12818773 (cited by Counsyl); PubMed 10814720 (cited by Counsyl); PubMed 16983147 (cited by Counsyl).